The following is an entry in ClinVar:

NM_000395.3(CSF2RB):c.1412G>T (p.Arg471Leu)

Gene: CSF2RB (colony stimulating factor 2 receptor subunit beta; plus strand). Cytogenetic location: 22q12.3.
Variant type: single nucleotide variant.
Coding change: c.1412G>T on transcript NM_000395.3 (MANE Select); coding-DNA position 1412, G replaced by T.
Protein change: p.Arg471Leu; replaces arginine 471 with leucine.
Molecular consequence: missense variant.
Genome position (GRCh38, 1-based): chr22:36,935,635, G>T. VCF-style: chr22-36935635-G-T. GRCh37 (hg19) VCF-style: chr22-37331677-G-T.
Other names: c.1430G>T, p.Arg477Leu (NM_001410827.1); short protein forms R471L, R477L.
Identifiers: ClinVar variation 2781851 (VCV002781851.3), dbSNP rs573228861, ClinGen allele CA411409372.
Genomic context (GRCh38, chr22:36,935,635, plus strand): 5'-GGGAGCAGCTGGCCATGAGGTCTCTGATGGCTGTCACCTCCGTGGTGTCTTCCAGGCTGC[G>T]CAGAAAGTGGGAGGAGAAGATCCCCAACCCCAGCAAGAGCCACCTGTTCCAGGTAGGAAC-3'
Protein context (NP_000386.1, residues 461-481): RFCGIYGYRL[Arg471Leu]RKWEEKIPNP

ClinVar aggregate classification (germline): Uncertain significance (1 of 4 stars; one submission).

gnomAD v4.1: 2 of 1,614,068 alleles (0.00012%); highest among the groups gnomAD compares: African/African-American, 0.0013%; no homozygotes.

Submission:

Labcorp Genetics (formerly Invitae), Labcorp
Classification: Uncertain significance. Last evaluated: 2023-12-01. Review status: criteria provided, single submitter. Criteria: Invitae Variant Classification Sherloc (09022015). Collection method: clinical testing. Allele origin: germline.
Comment: This sequence change replaces arginine, which is basic and polar, with leucine, which is neutral and non-polar, at codon 471 of the CSF2RB protein (p.Arg471Leu). This variant is not present in population databases (gnomAD no frequency). This variant has not been reported in the literature in individuals affected with CSF2RB-related conditions. Advanced modeling of protein sequence and biophysical properties (such as structural, functional, and spatial information, amino acid conservation, physicochemical variation, residue mobility, and thermodynamic stability) performed at Invitae indicates that this missense variant is not expected to disrupt CSF2RB protein function with a negative predictive value of 80%. In summary, the available evidence is currently insufficient to determine the role of this variant in disease. Therefore, it has been classified as a Variant of Uncertain Significance.